The following is an entry in ClinVar:

ClinVar aggregate classification (germline): Uncertain significance (1 of 4 stars; one submission).

Conditions:
Malignant hyperthermia, susceptibility to, 1 (MHS1). Also called: Anesthesia related hyperthermia; Malignant hyperpyrexia; Fulminating hyperpyrexia; Pharmacogenic myopathy; RYR1-Related Malignant Hyperthermia Susceptibility; Malignant hyperthermia suceptibility 1. Identifiers: Orphanet 423, MedGen C2930980, MONDO:0007783, OMIM 145600.

Allele frequency attached by ClinVar (database versions not stated): gnomAD exomes below 0.00001.
gnomAD v4.1: 2 of 1,614,198 alleles (0.00012%); highest among the groups gnomAD compares: Non-Finnish European, 0.00017%; no homozygotes.

Submission:

All of Us Research Program, National Institutes of Health
Classification: Uncertain significance for Malignant hyperthermia, susceptibility to, 1. Last evaluated: 2023-05-16. Review status: criteria provided, single submitter. Criteria: ACMG Guidelines, 2015. Collection method: clinical testing. Allele origin: germline. Inheritance: Autosomal dominant inheritance. Observed: 1 variant allele, 1 heterozygote.
Comment: This missense variant replaces phenylalanine with leucine at codon 1984 of the RYR1 protein. Computational prediction suggests that this variant may not impact protein structure and function (internally defined REVEL score threshold <= 0.5, PMID: 27666373). To our knowledge, functional studies have not been reported for this variant. This variant has not been reported in individuals affected with RYR1-related disorders in the literature. This variant has not been identified in the general population by the Genome Aggregation Database (gnomAD). The available evidence is insufficient to determine the role of this variant in disease conclusively. Therefore, this variant is classified as a Variant of Uncertain Significance.

This study involves interpretation of variants in research participants for the purpose of population health screening. Participant phenotype was not available at the time of variant classification. Additional details can be found in publication PMID: 35346344, PMCID: PMC8962531

NM_000540.3(RYR1):c.5950T>C (p.Phe1984Leu)

Gene: RYR1 (ryanodine receptor 1; plus strand). Cytogenetic location: 19q13.2.
Variant type: single nucleotide variant.
Coding change: c.5950T>C on transcript NM_000540.3 (MANE Select); coding-DNA position 5950, T replaced by C.
Protein change: p.Phe1984Leu; replaces phenylalanine 1984 with leucine.
Molecular consequence: missense variant.
Genome position (GRCh38, 1-based): chr19:38,490,211, T>C. VCF-style: chr19-38490211-T-C. GRCh37 (hg19) VCF-style: chr19-38980851-T-C.
Other names: c.5950T>C, p.Phe1984Leu (NM_001042723.2); short protein forms F1984L.
Identifiers: ClinVar variation 3071231 (VCV003071231.1), dbSNP rs2514252364, ClinGen allele CA405660550.